The following is an entry in ClinVar:

ClinVar aggregate classification (germline): Uncertain significance (1 of 4 stars; one submission).

Conditions:
Inborn genetic diseases. Identifiers: MedGen C0950123, MeSH D030342.

Submission:

Ambry Genetics
Classification: Uncertain significance for Inborn genetic diseases. Last evaluated: 2021-07-30. Review status: criteria provided, single submitter. Criteria: Ambry Variant Classification Scheme 2023. Collection method: clinical testing. Allele origin: germline.
Comment: The c.1228T>C (p.S410P) alteration is located in exon 14 (coding exon 13) of the TRRAP gene. This alteration results from a T to C substitution at nucleotide position 1228, causing the serine (S) at amino acid position 410 to be replaced by a proline (P). Based on data from the Genome Aggregation Database (gnomAD), the TRRAP c.1228T>C alteration was not observed, with coverage at this position. This amino acid position is highly conserved in available vertebrate species. The in silico prediction for the p.S410P alteration is inconclusive. Based on insufficient or conflicting evidence, the clinical significance of this alteration remains unclear.

NM_001375524.1(TRRAP):c.1228T>C (p.Ser410Pro)

Gene: TRRAP (transformation/transcription domain associated protein; plus strand). Cytogenetic location: 7q22.1.
Variant type: single nucleotide variant.
Coding change: c.1228T>C on transcript NM_001375524.1 (MANE Select); coding-DNA position 1228, T replaced by C.
Protein change: p.Ser410Pro; replaces serine 410 with proline.
Molecular consequence: missense variant.
Genome position (GRCh38, 1-based): chr7:98,908,840, T>C. VCF-style: chr7-98908840-T-C. GRCh37 (hg19) VCF-style: chr7-98506463-T-C.
Other names: c.1228T>C, p.Ser410Pro (NM_001244580.2, NM_003496.4); short protein forms S410P.
Identifiers: ClinVar variation 2206288 (VCV002206288.2), dbSNP rs1232671419, ClinGen allele CA368283851.